The following is an entry in ClinVar:

NM_032816.5(CEP89):c.1855C>T (p.Arg619Cys)

Gene: CEP89 (centrosomal protein 89; minus strand). Cytogenetic location: 19q13.11.
Variant type: single nucleotide variant.
Coding change: c.1855C>T on transcript NM_032816.5 (MANE Select); coding-DNA position 1855, C replaced by T.
Protein change: p.Arg619Cys; replaces arginine 619 with cysteine.
Molecular consequence: missense variant.
Genome position (GRCh38, 1-based): chr19:32,899,877, G>A on the plus strand (C>T on the coding strand, the complement: CEP89 is on the minus strand). VCF-style: chr19-32899877-G-A. GRCh37 (hg19) VCF-style: chr19-33390783-G-A.
Other names: short protein forms R619C.
Identifiers: ClinVar variation 1493317 (VCV001493317.8), dbSNP rs773793137, ClinGen allele CA9359156.

ClinVar aggregate classification (germline): Uncertain significance (1 of 4 stars; one submission).

Allele frequency attached by ClinVar (database versions not stated): ExAC 0.00002; gnomAD exomes 0.00002.
gnomAD v4.1: 12 of 1,613,676 alleles (0.00074%); highest among the groups gnomAD compares: East Asian, 0.0045%; no homozygotes.

Submission:

Labcorp Genetics (formerly Invitae), Labcorp
Classification: Uncertain significance. Last evaluated: 2025-07-20. Review status: criteria provided, single submitter. Criteria: Invitae Variant Classification Sherloc (09022015). Collection method: clinical testing. Allele origin: germline.
Comment: This sequence change replaces arginine, which is basic and polar, with cysteine, which is neutral and slightly polar, at codon 619 of the CEP89 protein (p.Arg619Cys). This variant is present in population databases (rs773793137, gnomAD 0.003%). This variant has not been reported in the literature in individuals affected with CEP89-related conditions. ClinVar contains an entry for this variant (Variation ID: 1493317). An algorithm developed to predict the effect of missense changes on protein structure and function (PolyPhen-2) suggests that this variant is likely to be disruptive. In summary, the available evidence is currently insufficient to determine the role of this variant in disease. Therefore, it has been classified as a Variant of Uncertain Significance.